The following is an entry in ClinVar:

ClinVar aggregate classification (germline): Conflicting classifications of pathogenicity. Review status: no assertion criteria provided (0 of 4 stars). 3 submissions from 3 submitters: Uncertain significance (2); conflicting data from submitters (1). Last evaluated 2011-09-16.

Submissions (3):

ISCA site 17
Classification: Uncertain significance. Last evaluated: 2011-09-16. Review status: no assertion criteria provided. Collection method: clinical testing. Allele origin: unknown. Affected: yes. Observed: 2 variant alleles.

ISCA site 8
Classification: Uncertain significance. Last evaluated: 2010-10-19. Review status: no assertion criteria provided. Collection method: clinical testing. Allele origin: unknown. Affected: yes. Observed: 1 variant allele.

ISCA site 4
Classification: conflicting data from submitters. Last evaluated: 2010-05-27. Review status: no assertion criteria provided. Collection method: clinical testing. Allele origin: unknown. Affected: yes. Observed: 4 variant alleles. Clinical features observed: Macrocephaly (HP:0000256), Developmental delay AND/OR other significant developmental or morphological phenotypes, Global developmental delay (HP:0001263).
Comment: Uncertain significance(3), Benign (1)

Copy number variation identified through the course of routine clinical cytogenomic testing in postnatal populations, with clinical assertions as classified by the original submitter. For data from the original published study, Kaminsky, et al. 2011 (PubMed 21844811), please see nstd101.

GRCh38/hg38 15q13.3(chr15:31738809-32217725)x3

Genes: CHRNA7 (cholinergic receptor nicotinic alpha 7 subunit), OTUD7A (OTU deubiquitinase 7A; minus strand), LOC125078053 (Sharpr-MPRA regulatory region 11410; plus strand), LOC129390681 (MPRA-validated peak2289 silencer), LOC130056727 (ATAC-STARR-seq lymphoblastoid silent region 6268; plus strand). Cytogenetic location: 15q13.3.
Variant type: copy number gain.
Change: copy number 3 (three copies instead of two) of chr15:31,738,809-32,217,725 (478.9 kb, GRCh38 coordinates, 1-based), cytogenetic band 15q13.3.
Identifiers: ClinVar variation 32913 (VCV000032913.4).